The following is an entry in ClinVar:

NM_001267550.2(TTN):c.9674A>G (p.Asn3225Ser)

Gene: TTN (titin; minus strand). Cytogenetic location: 2q31.2.
Variant type: single nucleotide variant.
Coding change: c.9674A>G on transcript NM_001267550.2 (MANE Select); coding-DNA position 9674, A replaced by G.
Protein change: p.Asn3225Ser; replaces asparagine 3225 with serine.
Molecular consequence: missense variant.
Genome position (GRCh38, 1-based): chr2:178,766,410, T>C on the plus strand (A>G on the coding strand, the complement: TTN is on the minus strand). VCF-style: chr2-178766410-T-C. GRCh37 (hg19) VCF-style: chr2-179631137-T-C.
Other names: c.9536A>G, p.Asn3179Ser (NM_003319.4, NM_133432.3, NM_133437.4); c.9674A>G, p.Asn3225Ser (NM_133379.5, NM_001256850.1, NM_133378.4); short protein forms N3225S, N3179S.
Identifiers: ClinVar variation 47673 (VCV000047673.27), dbSNP rs202011992, ClinGen allele CA141678.
Genomic context (GRCh38, chr2:178,766,410, plus strand): 5'-ACAAAATATGCTGAAATCTGTCCCTACATACCATTGACATAGAGAGTGACAGAACTCCTG[T>C]TCCTTCCTGCCACAAAGGTGTATTCTCCTGCATCGCTCTGTCTGGTCTCAGAGATAAACA-3'
Protein context (NP_001254479.2, residues 3215-3235): AGEYTFVAGR[Asn3225Ser]RSSVTLYVNA

ClinVar aggregate classification (germline): Conflicting classifications of pathogenicity. Review status: criteria provided, conflicting classifications (1 of 4 stars). 12 submissions from 12 submitters: Uncertain significance (8); Likely benign (4). Last evaluated 2026-03-27.

Conditions:
Cardiovascular phenotype. Identifiers: MedGen CN230736.
Autosomal recessive limb-girdle muscular dystrophy type 2J (LGMDR10). Also called: Limb-girdle muscular dystrophy, type 2J; MUSCULAR DYSTROPHY, LIMB-GIRDLE, AUTOSOMAL RECESSIVE 10. Identifiers: Orphanet 140922, MedGen C1837342, MONDO:0012127, OMIM 608807.
Dilated cardiomyopathy 1G (CMD1G). Identifiers: Orphanet 154, MedGen C1858763, MONDO:0011400, OMIM 604145.
Cardiomyopathy (CMYO). Also called: Cardiomyopathies. Identifiers: Orphanet 167848, MedGen C0878544, MONDO:0004994, HP:0001638. Inheritance: Various modes of inheritance.

Allele frequency attached by ClinVar (database versions not stated): ExAC 0.00002; gnomAD exomes 0.00004 and 0.00010; gnomAD 0.00006; TOPMed 0.00006; ESP Exome Variant Server 0.00008.
gnomAD v4.1: 160 of 1,613,868 alleles (0.0099%); highest among the groups gnomAD compares: Non-Finnish European, 0.013%; 1 homozygote.

Submissions (12):

Molecular Diagnostic Laboratory for Inherited Cardiovascular Disease, Montreal Heart Institute
Classification: Likely benign. Last evaluated: 2026-03-27. Review status: criteria provided, single submitter. Criteria: ACMG Guidelines, 2015. Collection method: clinical testing. Allele origin: germline. Affected: no.

Women's Health and Genetics/Laboratory Corporation of America, LabCorp
Classification: Uncertain significance. Last evaluated: 2025-01-16. Review status: criteria provided, single submitter. Criteria: LabCorp Variant Classification Summary - May 2015. Collection method: clinical testing. Allele origin: germline.
Comment: Variant summary: TTN c.9674A>G (p.Asn3225Ser) results in a conservative amino acid change located in the I-band of the encoded protein sequence. Three of five in-silico tools predict a benign effect of the variant on protein function. The variant allele was found at a frequency of 4e-05 in 251220 control chromosomes. This frequency is not significantly higher than estimated for a pathogenic variant in TTN causing Autosomal Recessive Titinopathy (4e-05 vs 0.00039), allowing no conclusion about variant significance. c.9674A>G has been reported in the literature in individuals affected with cardiomyopathy and left ventricular noncompaction, but was also detected in control cohorts (e.g., Mazzarotto_2020, Mazzarotto_2021, Pugh_2014, Thomson_2019). These reports do not provide unequivocal conclusions about association of the variant with TTN-related conditions. To our knowledge, no experimental evidence demonstrating an impact on protein function has been reported. The following publications have been ascertained in the context of this evaluation (PMID: 31983221, 33500567, 24503780, 30531895). ClinVar contains an entry for this variant (Variation ID: 47673). Based on the evidence outlined above, the variant was classified as uncertain significance.

Blueprint Genetics
Classification: Likely benign. Last evaluated: 2024-11-20. Review status: criteria provided, single submitter. Criteria: ACMG Guidelines, 2015. Collection method: clinical testing. Allele origin: germline.

Revvity Omics, Revvity
Classification: Uncertain significance. Last evaluated: 2022-09-28. Review status: criteria provided, single submitter. Criteria: ACMG Guidelines, 2015. Collection method: clinical testing. Allele origin: germline.

GeneDx
Classification: Likely benign. Last evaluated: 2020-10-02. Review status: criteria provided, single submitter. Criteria: GeneDx Variant Classification Process June 2021. Collection method: clinical testing. Allele origin: germline. Affected: yes.
Comment: This variant is associated with the following publications: (PMID: 24503780, 31983221)

Genetic Services Laboratory, University of Chicago
Classification: Uncertain significance. Last evaluated: 2020-05-06. Review status: criteria provided, single submitter. Criteria: ACMG Guidelines, 2015. Collection method: clinical testing. Allele origin: germline. Affected: no.
Comment: The c.9674A>G sequence change results in an amino acid change, p.Asn3225Ser. This sequence change has been described in the gnomAD database with a low population frequency of 0.00426% (dbSNP rs202011992). The p.Asn3225Ser change affects a highly conserved amino acid residue located in a domain of the TTN protein that is known to be functional. In-silico pathogenicity prediction tools (SIFT, PolyPhen2, Align GVGD, REVEL) provide contradictory results for the p.Asn3225Ser substitution. This sequence change does not appear to have been previously described in patients with TTN-related disorders. Due to lack of sufficient evidence, the clinical significance of the p.Asn3225Ser change remains unknown at this time.

Ambry Genetics
Classification: Uncertain significance for Cardiovascular phenotype. Last evaluated: 2019-12-12. Review status: criteria provided, single submitter. Criteria: Ambry Variant Classification Scheme 2023. Collection method: clinical testing. Allele origin: germline.
Comment: The p.N3179S variant (also known as c.9536A>G), located in coding exon 39 of the TTN gene, results from an A to G substitution at nucleotide position 9536. The asparagine at codon 3179 is replaced by serine, an amino acid with highly similar properties. This amino acid position is highly conserved in available vertebrate species. In addition, this alteration is predicted to be tolerated by in silico analysis. Since supporting evidence is limited at this time, the clinical significance of this alteration remains unclear.

Laboratory for Molecular Medicine, Mass General Brigham Personalized Medicine
Classification: Likely benign. Last evaluated: 2018-04-27. Review status: criteria provided, single submitter. Criteria: LMM Criteria. Collection method: clinical testing. Allele origin: germline. Observed: 7 variant alleles.
Comment: The p.Asn3225Ser variant in TTN is classified as likely benign because it has be en identified 0.01% (11/126504) of European chromosomes by the Genome Aggregatio n Database (gnomAD; dbSNP rs202011992). In add ition, this variant was identified by this laboratory in 2 individuals who carri ed other variants sufficient to explain their cardiomyopathy. One carried a like ly pathogenic variant in TTN and the other carried a likely pathogenic ATCT1 var iant. ACMG/AMP Criteria applied: BS1_Supporting; BP2; BP5.

Labcorp Genetics (formerly Invitae), Labcorp
Classification: Uncertain significance for Dilated cardiomyopathy 1G; Autosomal recessive limb-girdle muscular dystrophy type 2J. Last evaluated: 2017-08-30. Review status: criteria provided, single submitter. Criteria: Invitae Variant Classification Sherloc (09022015). Collection method: clinical testing. Allele origin: germline.

Eurofins Ntd Llc (ga)
Classification: Uncertain significance. Last evaluated: 2017-02-06. Review status: criteria provided, single submitter. Criteria: EGL Classification Definitions 2015. Collection method: clinical testing. Allele origin: germline. Observed: 2 variant alleles, 2 heterozygotes.

CHEO Genetics Diagnostic Laboratory, Children's Hospital of Eastern Ontario
Classification: Uncertain significance for Cardiomyopathy. Last evaluated: 2016-05-20. Review status: criteria provided, single submitter. Criteria: ACMG Guidelines, 2015. Collection method: clinical testing. Allele origin: germline. Study: Canadian Open Genetics Repository.

Biesecker Lab/Clinical Genomics Section, National Institutes of Health
Classification: Uncertain significance. Last evaluated: 2013-06-24. Review status: criteria provided, single submitter. Criteria: Ng et al. (Circ Cardiovasc Genet. 2013). Collection method: research. Allele origin: unknown. Observed: 1 variant allele. Study: ClinSeq.
Comment: The study set was not selected for affection status in relation to any cancer. Pathogenicity categories were based on literature curation. See Pubmed ID:23861362 for details.

Medical sequencing

Literature cited by the submitters: PubMed 24503780 (cited by Women's Health and Genetics/Laboratory Corporation of America, LabCorp); PubMed 31983221 (cited by Women's Health and Genetics/Laboratory Corporation of America, LabCorp); PubMed 30531895 (cited by Women's Health and Genetics/Laboratory Corporation of America, LabCorp); PubMed 33500567 (cited by Women's Health and Genetics/Laboratory Corporation of America, LabCorp).